The following is an entry in ClinVar:

NM_020877.5(DNAH2):c.10799C>T (p.Thr3600Ile)

Gene: DNAH2 (dynein axonemal heavy chain 2; plus strand). Cytogenetic location: 17p13.1.
Variant type: single nucleotide variant.
Coding change: c.10799C>T on transcript NM_020877.5 (MANE Select); coding-DNA position 10799, C replaced by T.
Protein change: p.Thr3600Ile; replaces threonine 3600 with isoleucine.
Molecular consequence: missense variant.
Genome position (GRCh38, 1-based): chr17:7,819,047, C>T. VCF-style: chr17-7819047-C-T. GRCh37 (hg19) VCF-style: chr17-7722365-C-T.
Other names: c.10799C>T (NM_020877.3); short protein forms T3600I.
Identifiers: ClinVar variation 402713 (VCV000402713.7), dbSNP rs7213894, ClinGen allele CA8359236.

ClinVar aggregate classification (germline): Benign. Review status: criteria provided, multiple submitters, no conflicts (2 of 4 stars). 3 submissions from 3 submitters: Benign (2). 1 of the submissions does not count toward it. Last evaluated 2016-03-29.

Conditions:
DNAH2-related disorder. Also called: DNAH2-related condition.

Allele frequency attached by ClinVar (database versions not stated): gnomAD exomes 0.59095; ExAC 0.60587; 1000 Genomes Project 0.61102; 1000 Genomes Project 30x 0.61696; TOPMed 0.63087; gnomAD 0.63246 and 0.63617; ESP Exome Variant Server 0.64985.
gnomAD v4.1: 954,853 of 1,605,244 alleles (59%); highest among the groups gnomAD compares: Middle Eastern, 77%; 287,476 homozygotes.

Submissions (3):

Laboratory for Molecular Medicine, Mass General Brigham Personalized Medicine
Classification: Benign. Last evaluated: 2016-03-29. Review status: criteria provided, single submitter. Criteria: LMM Criteria. Collection method: clinical testing. Allele origin: germline.
Comment: Variant identified in a genome or exome case(s) and assessed due to predicted null impact of the variant or pathogenic assertions in the literature or databases. Disclaimer: This variant has not undergone full assessment. The following are preliminary notes: Frequency

Breakthrough Genomics
Classification: Benign. Review status: criteria provided, single submitter. Criteria: ACMG Guidelines, 2015. Collection method: not provided. Allele origin: germline. Inheritance: Autosomal recessive inheritance. Affected: yes.

PreventionGenetics, part of Exact Sciences
Classification: Benign for DNAH2-related condition. Last evaluated: 2019-10-17. Review status: no assertion criteria provided. Collection method: clinical testing. Allele origin: germline. Not counted in ClinVar's aggregate classification.
Comment: This variant is classified as benign based on ACMG/AMP sequence variant interpretation guidelines (Richards et al. 2015 PMID: 25741868, with internal and published modifications).